The following is an entry in ClinVar:

ClinVar aggregate classification (germline): Benign. Review status: criteria provided, single submitter (1 of 4 stars). 2 submissions from 1 submitter: Benign (2). Last evaluated 2018-01-12.

Conditions:
GTP cyclohydrolase I deficiency. Identifiers: MedGen C0268467, MONDO:0100184.
Dystonia 5 (DRD). Also called: DYSTONIA, PROGRESSIVE, WITH DIURNAL VARIATION; DYSTONIA-PARKINSONISM WITH DIURNAL FLUCTUATION; Dystonia, DOPA-responsive, with or without hyperphenylalaninemia; GTP Cyclohydrolase 1-Deficient Dopa-Responsive Dystonia; DYT-GCH1. Identifiers: Orphanet 98808, MedGen C1851920, MONDO:0007495, OMIM 128230.

Allele frequency attached by ClinVar (database versions not stated): gnomAD 0.01490 and 0.01571; TOPMed 0.01641; 1000 Genomes Project 0.01937; 1000 Genomes Project 30x 0.02092.

Submissions (2):

Illumina Laboratory Services, Illumina
Classification: Benign for Dystonia 5. Last evaluated: 2018-01-12. Review status: criteria provided, single submitter. Criteria: ICSL Variant Classification Criteria 13 December 2019. Collection method: clinical testing. Allele origin: germline.
Comment: This variant was observed in the ICSL laboratory as part of a predisposition screen in an ostensibly healthy population. It had not been previously curated by ICSL or reported in the Human Gene Mutation Database (HGMD: prior to June 1st, 2018), and was therefore a candidate for classification through an automated scoring system. Utilizing variant allele frequency, disease prevalence and penetrance estimates, and inheritance mode, an automated score was calculated to assess if this variant is too frequent to cause the disease. Based on the score and internal cut-off values, a variant classified as benign is not then subjected to further curation. The score for this variant resulted in a classification of benign for this disease.

Illumina Laboratory Services, Illumina
Classification: Benign for GTP cyclohydrolase I deficiency with hyperphenylalaninemia. Last evaluated: 2018-01-12. Review status: criteria provided, single submitter. Criteria: ICSL Variant Classification Criteria 13 December 2019. Collection method: clinical testing. Allele origin: germline.
Comment: the same text as in the submission from Illumina Laboratory Services, Illumina above.

NM_000161.3(GCH1):c.*1915T>C

Gene: GCH1 (GTP cyclohydrolase 1; minus strand). Cytogenetic location: 14q22.2.
Variant type: single nucleotide variant.
Coding change: c.*1915T>C on transcript NM_000161.3 (MANE Select); 1915 bases downstream of the stop codon, T replaced by C.
Molecular consequence: 3 prime UTR variant.
Genome position (GRCh38, 1-based): chr14:54,842,102, A>G on the plus strand (T>C on the coding strand, the complement: GCH1 is on the minus strand). VCF-style: chr14-54842102-A-G. GRCh37 (hg19) VCF-style: chr14-55308820-A-G.
Other names: c.*969T>C (NM_001024024.2); c.*965T>C (NM_001024070.2); c.*937T>C (NM_001024071.2).
Identifiers: ClinVar variation 313357 (VCV000313357.5), dbSNP rs17128017, ClinGen allele CA10640292.